The following is an entry in ClinVar:

NM_025114.4(CEP290):c.2818-955A>G

Gene: CEP290 (centrosomal protein 290; minus strand). Cytogenetic location: 12q21.32.
Variant type: single nucleotide variant.
Coding change: c.2818-955A>G on transcript NM_025114.4 (MANE Select); 955 bases into the intron before coding-DNA position 2818, A replaced by G.
Molecular consequence: intron variant.
Genome position (GRCh38, 1-based): chr12:88,103,966, T>C on the plus strand (A>G on the coding strand, the complement: CEP290 is on the minus strand). VCF-style: chr12-88103966-T-C. GRCh37 (hg19) VCF-style: chr12-88497743-T-C.
Identifiers: ClinVar variation 4073597 (VCV004073597.1).
Genomic context (GRCh38, chr12:88,103,966, plus strand): 5'-GGGGTAGATGAGATTCTATTTCCCATCTCTTAAGAATCTCCCTTTTTCTTGGCTCTTCAA[T>C]TGTTGGGAGAAAAAAATCAAGTTCATGAGCAGGTAGAAGAGGAAGAAAACTAATTCTTTT-3'

ClinVar aggregate classification (germline): Uncertain significance (1 of 4 stars; one submission).

Conditions:
Retinitis pigmentosa (RP). Identifiers: Orphanet 791, MedGen C0035334, MeSH D012174, MONDO:0019200, OMIM 268000. Inheritance: Autosomal dominant, autosomal recessive and X linked inheritance.

Submission:

DNA-diagnostics Laboratory, Research Centre For Medical Genetics
Classification: Uncertain significance for Retinitis pigmentosa. Review status: criteria provided, single submitter. Criteria: ACMG Guidelines, 2015. Collection method: clinical testing. Allele origin: germline. Inheritance: Autosomal recessive inheritance. Affected: yes. Observed: 1 heterozygote.
Comment: This variant is not present in population databases (gnomAD no frequency). Algorithms developed to predict the effect of sequence changes on RNA splicing suggest that this variant may create a new splice site (splice_ai Δ score: Acceptor Gain-0.99, Donor Gain-0.77). Segregation analysis was not performed. In summary, the available evidence is currently insufficient to determine the role of this variant in disease. Therefore, it has been classified as a Variant of Uncertain Significance (PM2, PP3).